The following is an entry in ClinVar:

NM_021975.4(RELA):c.2T>A (p.Met1Lys)

Genes: RELA (RELA proto-oncogene, NF-kB subunit; minus strand), LOC130006055 (ATAC-STARR-seq lymphoblastoid silent region 3550; plus strand). Cytogenetic location: 11q13.1.
Variant type: single nucleotide variant.
Coding change: c.2T>A on transcript NM_021975.4 (MANE Select); coding-DNA position 2, T replaced by A.
Protein change: p.Met1Lys; changes the start codon (methionine 1).
Molecular consequence: missense variant, initiator codon variant. On other transcripts: 5 prime UTR variant (2), intron variant (1).
Genome position (GRCh38, 1-based): chr11:65,662,831, A>T on the plus strand (T>A on the coding strand, the complement: RELA is on the minus strand). VCF-style: chr11-65662831-A-T. GRCh37 (hg19) VCF-style: chr11-65430302-A-T.
Other names: c.2T>A, p.Met1Lys (NM_001145138.2, NM_001243984.2, NM_001243985.2 and 4 more transcripts); c.-288T>A (NM_001404661.1); c.-234T>A (NM_001404663.1); c.-87+339T>A (NM_001404662.1); short protein forms M1K.
Identifiers: ClinVar variation 4807153 (VCV004807153.1).
Genomic context (GRCh38, chr11:65,662,831, plus strand): 5'-CACAGCCGCGGCGGCCCCGGCGATGCCACCCCGCGGGGTCAGAGGGCGACCTCACCGTCC[A>T]TGGCCGGGGTCCCGGGGGCGGGGCCGGGGTCGCAGCTGGGCCCGCGGCGTGCACTACAGA-3'
Protein context (NP_068810.3, residues 1-11): [Met1Lys]DELFPLIFPA

ClinVar aggregate classification (germline): Uncertain significance (1 of 4 stars; one submission).

Submission:

Labcorp Genetics (formerly Invitae), Labcorp
Classification: Uncertain significance. Last evaluated: 2025-10-13. Review status: criteria provided, single submitter. Criteria: Invitae Variant Classification Sherloc (09022015). Collection method: clinical testing. Allele origin: germline.
Comment: This sequence change affects the initiator codon of the RELA mRNA. This change may impact translation initiation or efficiency. The next in-frame methionine is located at codon 32. This variant is not present in population databases (gnomAD no frequency). This variant has not been reported in the literature in individuals affected with RELA-related conditions. Experimental studies and prediction algorithms are not available or were not evaluated, and the functional significance of this variant is currently unknown. In summary, the available evidence is currently insufficient to determine the role of this variant in disease. Therefore, it has been classified as a Variant of Uncertain Significance.